The following is an entry in ClinVar:

NM_000122.2(ERCC3):c.1381del (p.His461fs)

Gene: ERCC3 (ERCC excision repair 3, TFIIH core complex helicase subunit; minus strand). Cytogenetic location: 2q14.3.
Variant type: Deletion.
Coding change: c.1381del on transcript NM_000122.2 (MANE Select); coding-DNA position 1381, one base deleted (C; older notation c.1381delC).
Protein change: p.His461fs; shifts the reading frame from histidine 461.
Molecular consequence: frameshift variant.
Genome position (GRCh38, 1-based): chr2:127,280,593, G deleted on the plus strand (C on the coding strand, the reverse complement: ERCC3 is on the minus strand); the first of 3 consecutive G bases (chr2:127,280,593-127,280,595); deleting any one gives the same sequence. VCF-style (leftmost placement, unchanged base first): chr2-127280592-TG-T. GRCh37 (hg19) VCF-style: chr2-128038168-TG-T.
Other names: c.1189del, p.His397fs (NM_001303416.2, NM_001303418.2); short protein forms H397fs, H461fs.
Identifiers: ClinVar variation 5018811 (VCV005018811.2).

ClinVar aggregate classification (germline): Likely pathogenic (1 of 4 stars; one submission).

Conditions:
Xeroderma pigmentosum group B. Also called: XP, GROUP B; XPB/CS; XERODERMA PIGMENTOSUM B/COCKAYNE SYNDROME; ERCC3-Related Xeroderma Pigmentosum. Identifiers: MedGen C0268136, MONDO:0012531, OMIM 610651.
Trichothiodystrophy 2, photosensitive (TTD2). Identifiers: Orphanet 33364, MedGen C4225344, MONDO:0014615, OMIM 616390.

Submission:

Juno Genomics, Hangzhou Juno Genomics, Inc
Classification: Likely pathogenic for Trichothiodystrophy 2, photosensitive; Xeroderma pigmentosum group B. Review status: criteria provided, single submitter. Criteria: ACMG Guidelines, 2015. Collection method: clinical testing. Allele origin: germline.
Comment: Absent from controls (or at extremely low frequency if recessive) in Genome Aggregation Database.;Null variant in a gene where loss of function (LOF) is a known mechanism of disease.